The following is an entry in ClinVar:

ClinVar aggregate classification (germline): Likely benign. Review status: criteria provided, multiple submitters, no conflicts (2 of 4 stars). 2 submissions from 2 submitters: Likely benign (2). Last evaluated 2025-02-20.

Conditions:
CEP290-related disorder. Also called: CEP290-related condition; CEP290-related disorders. Identifiers: MedGen CN239314.
Meckel-Gruber syndrome. Also called: DYSENCEPHALIA SPLANCHNOCYSTICA; GRUBER SYNDROME; Dysencephalia splachnocystica. Identifiers: Orphanet 564, MedGen C0265215, MONDO:0018921.
Nephronophthisis. Also called: Juvenile Nephronophthisis. Identifiers: Orphanet 655, MedGen C0687120, MONDO:0019005, HP:0000090.
Joubert syndrome. Also called: Familial aplasia of the vermis; JOUBERT-BOLTSHAUSER SYNDROME. Identifiers: Orphanet 475, MedGen C5979921, MONDO:0018772.

Allele frequency attached by ClinVar (database versions not stated): gnomAD exomes below 0.00001.
gnomAD v4.1: 1 of 1,582,088 alleles (0.000063%); highest among the groups gnomAD compares: Non-Finnish European, 0.000086%; no homozygotes.

Submissions (2):

PreventionGenetics, part of Exact Sciences
Classification: Likely benign for CEP290-related condition. Last evaluated: 2025-02-20. Review status: criteria provided, single submitter. Criteria: ACMG Guidelines, 2015. Collection method: clinical testing. Allele origin: germline.
Comment: This variant is classified as likely benign based on ACMG/AMP sequence variant interpretation guidelines (Richards et al. 2015 PMID: 25741868, with internal and published modifications).

Labcorp Genetics (formerly Invitae), Labcorp
Classification: Likely benign for Joubert syndrome; Meckel-Gruber syndrome; Nephronophthisis. Last evaluated: 2023-09-21. Review status: criteria provided, single submitter. Criteria: Invitae Variant Classification Sherloc (09022015). Collection method: clinical testing. Allele origin: germline.

NM_025114.4(CEP290):c.7284G>A (p.Lys2428=)

Genes: CEP290 (centrosomal protein 290; minus strand), RLIG1 (RNA 5'-phosphate and 3'-OH ligase 1; plus strand). Cytogenetic location: 12q21.32.
Variant type: single nucleotide variant.
Coding change: c.7284G>A on transcript NM_025114.4 (MANE Select); coding-DNA position 7284, G replaced by A.
Protein change: p.Lys2428=; no amino-acid change (lysine 2428 retained).
Molecular consequence: synonymous variant. On other transcripts: 3 prime UTR variant (1).
Genome position (GRCh38, 1-based): chr12:88,049,340, C>T on the plus strand (G>A on the coding strand, the complement: CEP290 is on the minus strand). VCF-style: chr12-88049340-C-T. GRCh37 (hg19) VCF-style: chr12-88443117-C-T.
Other names: c.*918C>T (NM_001009894.3); c.7284G>A (NM_025114.3).
Identifiers: ClinVar variation 1995418 (VCV001995418.5), dbSNP rs2033247646, ClinGen allele CA481052602.